The following is an entry in ClinVar:

NM_007194.4(CHEK2):c.156_166del (p.Ser53fs)

Gene: CHEK2 (checkpoint kinase 2; minus strand). Cytogenetic location: 22q12.1.
Variant type: Deletion.
Coding change: c.156_166del on transcript NM_007194.4 (MANE Select); coding-DNA positions 156 to 166, 11 bases deleted (CTCTCACTCCA).
Protein change: p.Ser53fs; shifts the reading frame from serine 53.
Molecular consequence: frameshift variant.
Genome position (GRCh38, 1-based): chr22:28,734,556-28,734,566, TGGAGTGAGAG deleted on the plus strand (CTCTCACTCCA on the coding strand, the reverse complement: CHEK2 is on the minus strand). VCF-style (leftmost placement, unchanged base first): chr22-28734555-CTGGAGTGAGAG-C. GRCh37 (hg19) VCF-style: chr22-29130543-CTGGAGTGAGAG-C.
Other names: c.156_166delCTCTCACTCCA, p.Ser53Leufs (NM_001005735.3, NM_001349956.3, NM_145862.3); c.-622_-612delCTCTCACTCCA (NM_001257387.3); short protein forms S53fs.
Identifiers: ClinVar variation 1775239 (VCV001775239.2), dbSNP rs2518131420, ClinGen allele CA2580099430.

ClinVar aggregate classification (germline): Pathogenic (1 of 4 stars; one submission).

Conditions:
Hereditary cancer-predisposing syndrome. Also called: Hereditary Cancer Syndrome; Hereditary neoplastic syndrome; Neoplastic Syndromes, Hereditary; Tumor predisposition. Identifiers: Orphanet 140162, MedGen C0027672, MeSH D009386, MONDO:0015356.

Submission:

Ambry Genetics
Classification: Pathogenic for Hereditary cancer-predisposing syndrome. Last evaluated: 2015-11-13. Review status: criteria provided, single submitter. Criteria: Ambry Variant Classification Scheme 2023. Collection method: clinical testing. Allele origin: germline.
Comment: The c.156_166del11 pathogenic mutation, located in coding exon 1 of the CHEK2 gene, results from a deletion of 11 nucleotides at positions 156 to 166, causing a translational frameshift with a predicted alternate stop codon. Since frameshifts are typically deleterious in nature, this alteration is interpreted as a disease-causing mutation (ACMG Recommendations for Standards for Interpretation and Reporting of Sequence Variations. Revision 2007. Genet Med. 2008;10:294).